The following is an entry in ClinVar:

NM_144670.6(A2ML1):c.3503-183A>G

Gene: A2ML1 (alpha-2-macroglobulin like 1; plus strand). Cytogenetic location: 12p13.31.
Variant type: single nucleotide variant.
Coding change: c.3503-183A>G on transcript NM_144670.6 (MANE Select); 183 bases into the intron before coding-DNA position 3503, A replaced by G.
Molecular consequence: intron variant.
Genome position (GRCh38, 1-based): chr12:8,863,611, A>G. VCF-style: chr12-8863611-A-G. GRCh37 (hg19) VCF-style: chr12-9016207-A-G.
Other names: c.2030-183A>G (NM_001282424.3).
Identifiers: ClinVar variation 561525 (VCV000561525.1), dbSNP rs7136294, ClinGen allele CA232701539.

ClinVar aggregate classification (germline): Benign (1 of 4 stars; one submission).

Allele frequency attached by ClinVar (database versions not stated): TOPMed 0.92902; 1000 Genomes Project 0.93051; gnomAD 0.93331 and 0.93783.
gnomAD v4.1: 142,718 of 152,082 alleles (94%); highest among the groups gnomAD compares: South Asian, 100%; 67,605 homozygotes.

Submission:

GeneDx
Classification: Benign. Last evaluated: 2018-06-14. Review status: criteria provided, single submitter. Criteria: GeneDx Variant Classification (06012015). Collection method: clinical testing. Allele origin: germline. Affected: yes.
Comment: This variant is considered likely benign or benign based on one or more of the following criteria: it is a conservative change, it occurs at a poorly conserved position in the protein, it is predicted to be benign by multiple in silico algorithms, and/or has population frequency not consistent with disease.